The following is an entry in ClinVar:

NM_020549.5(CHAT):c.387T>A (p.Ser129=)

Gene: CHAT (choline O-acetyltransferase; plus strand). Cytogenetic location: 10q11.23.
Variant type: single nucleotide variant.
Coding change: c.387T>A on transcript NM_020549.5 (MANE Select); coding-DNA position 387, T replaced by A.
Protein change: p.Ser129=; no amino-acid change (serine 129 retained).
Molecular consequence: synonymous variant.
Genome position (GRCh38, 1-based): chr10:49,616,602, T>A. VCF-style: chr10-49616602-T-A. GRCh37 (hg19) VCF-style: chr10-50824648-T-A.
Other names: c.33T>A, p.Ser11= (NM_001142929.2, NM_001142934.2, NM_020984.4 and 2 more transcripts); c.141T>A, p.Ser47= (NM_001142933.2).
Identifiers: ClinVar variation 1505016 (VCV001505016.8), dbSNP rs143723043, ClinGen allele CA469604726.

ClinVar aggregate classification (germline): Uncertain significance (1 of 4 stars; one submission).

Conditions:
Familial infantile myasthenia (CMS6). Also called: MYASTHENIC SYNDROME, CONGENITAL, 6, PRESYNAPTIC; Congenital myasthenic syndrome type 6; MYASTHENIC SYNDROME, PRESYNAPTIC, CONGENITAL, ASSOCIATED WITH EPISODIC APNEA. Identifiers: Orphanet 590, MedGen C0393929, MONDO:0009689, OMIM 254210.

Submission:

Labcorp Genetics (formerly Invitae), Labcorp
Classification: Uncertain significance for Familial infantile myasthenia. Last evaluated: 2022-07-26. Review status: criteria provided, single submitter. Criteria: Invitae Variant Classification Sherloc (09022015). Collection method: clinical testing. Allele origin: germline.
Comment: This variant has not been reported in the literature in individuals affected with CHAT-related conditions. In summary, the available evidence is currently insufficient to determine the role of this variant in disease. Therefore, it has been classified as a Variant of Uncertain Significance. Algorithms developed to predict the effect of sequence changes on RNA splicing suggest that this variant is not likely to affect RNA splicing. ClinVar contains an entry for this variant (Variation ID: 1505016). This variant is not present in population databases (gnomAD no frequency). This sequence change affects codon 129 of the CHAT mRNA. It is a 'silent' change, meaning that it does not change the encoded amino acid sequence of the CHAT protein. It affects a nucleotide within the consensus splice site.